The following is an entry in ClinVar:

NM_000179.3(MSH6):c.4051_4055dup (p.Lys1352fs)

Gene: MSH6 (mutS homolog 6; plus strand). Cytogenetic location: 2p16.3.
Variant type: Duplication.
Coding change: c.4051_4055dup on transcript NM_000179.3 (MANE Select); coding-DNA positions 4051 to 4055, 5 bases duplicated (CATAA; older notation c.4051_4055dupCATAA).
Protein change: p.Lys1352fs; shifts the reading frame from lysine 1352.
Molecular consequence: frameshift variant.
Genome position (GRCh38, 1-based): chr2:47,806,828-47,806,832, CATAA duplicated. VCF-style (leftmost placement, unchanged base first): chr2-47806827-C-CCATAA. GRCh37 (hg19) VCF-style: chr2-48033966-C-CCATAA.
Other names: p.Lys1352AsnfsX5; c.3661_3665dup, p.Lys1222fs (NM_001281492.2); c.3145_3149dup, p.Lys1050fs (NM_001281493.2, NM_001281494.2); c.4051_4055dupCATAA (NM_000179.2); short protein forms K1050fs, K1222fs, K1352fs.
Identifiers: ClinVar variation 517218 (VCV000517218.4), dbSNP rs1553334033, ClinGen allele CA658795768.

ClinVar aggregate classification (germline): Uncertain significance (1 of 4 stars; one submission).

Submission:

Laboratory for Molecular Medicine, Mass General Brigham Personalized Medicine
Classification: Uncertain significance. Last evaluated: 2017-02-20. Review status: criteria provided, single submitter. Criteria: LMM Criteria. Collection method: clinical testing. Allele origin: germline. Observed: 1 variant allele.
Comment: The p.Lys1352fs variant in MSH6 has not been previously reported in individuals with Lynch syndrome or in large population studies, though the ability of these studies to accurately detect indels may be limited. This variant is predicted to cause a frameshift, which alters the protein?s amino acid sequence beginning at position 1352 and leads to a premature termination codon 5 amino acids downstre am. This termination codon occurs within the terminal 50 bases of the last exon and is more likely to escape nonsense mediated decay (NMD) and result in a trunc ated protein that is 3 amino acids shorter. In summary, the clinical significanc e of the p.Lys1352fs variant is uncertain.